The following is an entry in ClinVar:

ClinVar aggregate classification (germline): Likely pathogenic (1 of 4 stars; one submission).

Conditions:
Dilated cardiomyopathy 1G (CMD1G). Identifiers: Orphanet 154, MedGen C1858763, MONDO:0011400, OMIM 604145.
Autosomal recessive limb-girdle muscular dystrophy type 2J (LGMDR10). Also called: MUSCULAR DYSTROPHY, LIMB-GIRDLE, AUTOSOMAL RECESSIVE 10; Limb-girdle muscular dystrophy, type 2J. Identifiers: Orphanet 140922, MedGen C1837342, MONDO:0012127, OMIM 608807.

Submission:

Labcorp Genetics (formerly Invitae), Labcorp
Classification: Likely pathogenic for Dilated cardiomyopathy 1G; Autosomal recessive limb-girdle muscular dystrophy type 2J. Last evaluated: 2023-12-06. Review status: criteria provided, single submitter. Criteria: Invitae Variant Classification Sherloc (09022015). Collection method: clinical testing. Allele origin: germline.
Comment: This sequence change creates a premature translational stop signal (p.Lys34547Glnfs*3) in the TTN gene. While this is not anticipated to result in nonsense mediated decay, it is expected to create a truncated TTN protein. This variant is not present in population databases (gnomAD no frequency). This variant has not been reported in the literature in individuals affected with TTN-related conditions. ClinVar contains an entry for this variant (Variation ID: 2004642). This variant is located in the M band of TTN (PMID: 25589632). Truncating variants in this region have been previously reported in individuals affected with autosomal recessive myopathy and muscular dystrophy (PMID: 18948003, 23975875, 24395473). Truncating variants in this region have also been identified in individuals affected with autosomal dominant dilated cardiomyopathy and/or cardio-related conditions (PMID: 27869827, 32964742). In summary, the currently available evidence indicates that the variant is pathogenic, but additional data are needed to prove that conclusively. Therefore, this variant has been classified as Likely Pathogenic.

Literature cited by the submitters: PubMed 25589632; PubMed 18948003; PubMed 23975875; PubMed 24395473; PubMed 27869827; PubMed 32964742.

NM_001267550.2(TTN):c.103638dup (p.Lys34547fs)

Genes: TTN (titin; minus strand), TTN-AS1 (TTN antisense RNA 1; plus strand). Cytogenetic location: 2q31.2.
Variant type: Duplication.
Coding change: c.103638dup on transcript NM_001267550.2 (MANE Select); coding-DNA position 103638, one base duplicated (C; older notation c.103638dupC).
Protein change: p.Lys34547fs; shifts the reading frame from lysine 34547.
Molecular consequence: frameshift variant.
Genome position (GRCh38, 1-based): chr2:178,532,977, G duplicated on the plus strand (C on the coding strand, the reverse complement: TTN is on the minus strand). VCF-style (leftmost placement, unchanged base first): chr2-178532976-T-TG. GRCh37 (hg19) VCF-style: chr2-179397703-T-TG.
Other names: c.98715dup, p.Lys32906fs (NM_001256850.1); c.76443dup, p.Lys25482fs (NM_003319.4); c.95934dup, p.Lys31979fs (NM_133378.4); c.76818dup, p.Lys25607fs (NM_133432.3); c.77019dup, p.Lys25674fs (NM_133437.4); short protein forms K31979fs, K32906fs, K25482fs, K25674fs, K25607fs, K34547fs.
Identifiers: ClinVar variation 2004642 (VCV002004642.4), dbSNP rs2468473356, ClinGen allele CA2580064864.